The following is an entry in ClinVar:

ClinVar aggregate classification (germline): Pathogenic (1 of 4 stars; one submission).

Conditions:
Hereditary spastic paraplegia 2 (SPG2). Also called: SPASTIC PARAPLEGIA 2, X-LINKED; Spastic Paraplegia 2 (SPG2). Identifiers: Orphanet 99015, MedGen C0751604, MONDO:0010733, OMIM 312920.

Submission:

Labcorp Genetics (formerly Invitae), Labcorp
Classification: Pathogenic for Hereditary spastic paraplegia 2. Last evaluated: 2021-03-12. Review status: criteria provided, single submitter. Criteria: Invitae Variant Classification Sherloc (09022015). Collection method: clinical testing. Allele origin: germline.
Comment: This sequence change creates a premature translational stop signal (p.Gly143Glufs*4) in the PLP1 gene. It is expected to result in an absent or disrupted protein product. Loss-of-function variants in PLP1 are known to be pathogenic (PMID: 18470932). This variant is not present in population databases (ExAC no frequency). This variant has not been reported in the literature in individuals with PLP1-related conditions. For these reasons, this variant has been classified as Pathogenic.

Literature cited by the submitters: PubMed 18470932.

NM_000533.5(PLP1):c.428del (p.Gly143fs)

Genes: RAB9B (RAB9B, member RAS oncogene family; minus strand), PLP1 (proteolipid protein 1; plus strand). Cytogenetic location: Xq22.2.
Variant type: Deletion.
Coding change: c.428del on transcript NM_000533.5 (MANE Select); coding-DNA position 428, one base deleted (G; older notation c.428delG).
Protein change: p.Gly143fs; shifts the reading frame from glycine 143.
Molecular consequence: frameshift variant. On other transcripts: intron variant (1).
Genome position (GRCh38, 1-based): chrX:103,786,701, G deleted; the last of 3 consecutive G bases (chrX:103,786,699-103,786,701); deleting any one gives the same sequence. VCF-style (leftmost placement, unchanged base first): chrX-103786698-TG-T. GRCh37 (hg19) VCF-style: chrX-103041627-TG-T.
Other names: c.428del, p.Gly143fs (NM_001128834.3); c.263del, p.Gly88fs (NM_001305004.1); c.348+80del (NM_199478.3); short protein forms G143fs, G88fs.
Identifiers: ClinVar variation 1387745 (VCV001387745.6), dbSNP rs2147764596, ClinGen allele CA2573159031.